The following is an entry in ClinVar:

NM_000431.4(MVK):c.545T>A (p.Leu182Ter)

Gene: MVK (mevalonate kinase; plus strand). Cytogenetic location: 12q24.11.
Variant type: single nucleotide variant.
Coding change: c.545T>A on transcript NM_000431.4 (MANE Select); coding-DNA position 545, T replaced by A.
Protein change: p.Leu182Ter; replaces leucine 182 with a stop codon.
Molecular consequence: nonsense.
Genome position (GRCh38, 1-based): chr12:109,586,039, T>A. VCF-style: chr12-109586039-T-A. GRCh37 (hg19) VCF-style: chr12-110023844-T-A.
Other names: c.389T>A, p.Leu130Ter (NM_001301182.2); c.545T>A, p.Leu182Ter (NM_001114185.3); short protein forms L182*, L130*.
Identifiers: ClinVar variation 573681 (VCV000573681.10), dbSNP rs1566147222, ClinGen allele CA386647464.

ClinVar aggregate classification (germline): Pathogenic. Review status: criteria provided, single submitter (1 of 4 stars). 2 submissions from 2 submitters: Pathogenic (1). 1 of the submissions does not count toward it. Last evaluated 2018-04-25.

Conditions:
MVK-related disorder. Also called: MVK-related condition; MVK-related disorders. Identifiers: MedGen CN239294.
Mevalonic aciduria (MEVA). Identifiers: Orphanet 29, MedGen C1959626, MONDO:0012481, OMIM 610377.
Porokeratosis 3, disseminated superficial actinic type (POROK3). Also called: POROKERATOSIS, DISSEMINATED SUPERFICIAL ACTINIC, 1; POROKERATOSIS 3, MULTIPLE TYPES; POROKERATOSIS 3, MIBELLI TYPE. Identifiers: MedGen C1867981, MONDO:0008293, OMIM 175900.
Hyperimmunoglobulin D with periodic fever (HIDS). Also called: HYPERIMMUNOGLOBULINEMIA D AND PERIODIC FEVER SYNDROME; Hyperimmunoglobulinemia D with periodic fever; Hyperimmunoglobulinemia D. Identifiers: Orphanet 343, MedGen C0398691, MONDO:0009849, OMIM 260920.

Allele frequency attached by ClinVar (database versions not stated): gnomAD exomes below 0.00001.
gnomAD v4.1: 2 of 1,614,114 alleles (0.00012%); highest among the groups gnomAD compares: Non-Finnish European, 0.00017%; no homozygotes.

Submissions (2):

Labcorp Genetics (formerly Invitae), Labcorp
Classification: Pathogenic for Mevalonic aciduria; Hyperimmunoglobulin D with periodic fever; Porokeratosis 3, disseminated superficial actinic type. Last evaluated: 2018-04-25. Review status: criteria provided, single submitter. Criteria: Invitae Variant Classification Sherloc (09022015). Collection method: clinical testing. Allele origin: germline.
Comment: This variant is not present in population databases (ExAC no frequency). For these reasons, this variant has been classified as Pathogenic. Loss-of-function variants in MVK are known to be pathogenic (PMID: 16835861, 17105862, 23834120). This finding is consistent with autosomal recessive inheritance, and suggests that this variant contributes to disease. This sequence change creates a premature translational stop signal (p.Leu182*) in the MVK gene. It is expected to result in an absent or disrupted protein product.

PreventionGenetics, part of Exact Sciences
Classification: Likely pathogenic for MVK-related condition. Last evaluated: 2024-02-20. Review status: no assertion criteria provided. Collection method: clinical testing. Allele origin: germline. Not counted in ClinVar's aggregate classification.
Comment: The MVK c.545T>A variant is predicted to result in premature protein termination (p.Leu182*). To our knowledge, this variant has not been reported in the literature or in the gnomAD database, indicating this variant is rare. Nonsense variants in MVK are expected to be pathogenic for autosomal recessive disease (see, Houten et al. 2000. PubMed ID: 11111075). This variant is interpreted as likely pathogenic.

Literature cited by the submitters: PubMed 16835861 (cited by Labcorp Genetics (formerly Invitae), Labcorp); PubMed 17105862 (cited by Labcorp Genetics (formerly Invitae), Labcorp); PubMed 23834120 (cited by Labcorp Genetics (formerly Invitae), Labcorp).